The following is an entry in ClinVar:

ClinVar aggregate classification (germline): Uncertain significance (1 of 4 stars; one submission).

Conditions:
Hereditary cancer-predisposing syndrome. Also called: Neoplastic Syndromes, Hereditary; Tumor predisposition; Hereditary neoplastic syndrome; Hereditary Cancer Syndrome. Identifiers: Orphanet 140162, MedGen C0027672, MeSH D009386, MONDO:0015356.

gnomAD v4.1: 1 of 1,613,806 alleles (0.000062%); highest among the groups gnomAD compares: Non-Finnish European, 0.000085%; no homozygotes.

Submission:

Ambry Genetics
Classification: Uncertain significance for Hereditary cancer-predisposing syndrome. Last evaluated: 2026-08-21. Review status: criteria provided, single submitter. Criteria: Ambry Variant Classification Scheme 2023. Collection method: clinical testing. Allele origin: germline.
Comment: The p.A258S variant (also known as c.772G>T), located in coding exon 6 of the FH gene, results from a G to T substitution at nucleotide position 772. The alanine at codon 258 is replaced by serine, an amino acid with similar properties. This amino acid position is conserved. In addition, this alteration is predicted to be tolerated by in silico analysis. Based on the available evidence, the clinical significance of this variant remains unclear.

NM_000143.4(FH):c.772G>T (p.Ala258Ser)

Gene: FH (fumarate hydratase; minus strand). Cytogenetic location: 1q43.
Variant type: single nucleotide variant.
Coding change: c.772G>T on transcript NM_000143.4 (MANE Select); coding-DNA position 772, G replaced by T.
Protein change: p.Ala258Ser; replaces alanine 258 with serine.
Molecular consequence: missense variant.
Genome position (GRCh38, 1-based): chr1:241,506,135, C>A on the plus strand (G>T on the coding strand, the complement: FH is on the minus strand). VCF-style: chr1-241506135-C-A. GRCh37 (hg19) VCF-style: chr1-241669435-C-A.
Other names: short protein forms A258S.
Identifiers: ClinVar variation 5021785 (VCV005021785.1).